The following is an entry in ClinVar:

NM_000282.4(PCCA):c.854T>G (p.Leu285Arg)

Gene: PCCA (propionyl-CoA carboxylase subunit alpha; plus strand). Cytogenetic location: 13q32.3.
Variant type: single nucleotide variant.
Coding change: c.854T>G on transcript NM_000282.4 (MANE Select); coding-DNA position 854, T replaced by G.
Protein change: p.Leu285Arg; replaces leucine 285 with arginine.
Molecular consequence: missense variant. On other transcripts: 5 prime UTR variant (3), non-coding transcript variant (5).
Genome position (GRCh38, 1-based): chr13:100,268,723, T>G. VCF-style: chr13-100268723-T-G. GRCh37 (hg19) VCF-style: chr13-100920977-T-G.
Other names: c.776T>G, p.Leu259Arg (NM_001127692.3, NM_001352607.2, NM_001352608.2); c.854T>G, p.Leu285Arg (NM_001178004.2, NM_001352605.2, NM_001352606.2 and 1 more transcripts); c.-92T>G (NM_001352610.2, NM_001352611.2, NM_001352612.2); short protein forms L285R, L259R.
Identifiers: ClinVar variation 3636576 (VCV003636576.2).

ClinVar aggregate classification (germline): Uncertain significance (1 of 4 stars; one submission).

Conditions:
Propionic acidemia (PROP). Also called: GLYCINEMIA, KETOTIC; HYPERGLYCINEMIA WITH KETOACIDOSIS AND LEUKOPENIA; KETOTIC HYPERGLYCINEMIA. Identifiers: Orphanet 35, MedGen C0268579, MONDO:0011628, OMIM 606054, HP:0003571.

gnomAD v4.1: 5 of 1,614,104 alleles (0.00031%); highest among the groups gnomAD compares: Non-Finnish European, 0.00042%; no homozygotes.

Submission:

Labcorp Genetics (formerly Invitae), Labcorp
Classification: Uncertain significance for Propionic acidemia. Last evaluated: 2024-12-10. Review status: criteria provided, single submitter. Criteria: Invitae Variant Classification Sherloc (09022015). Collection method: clinical testing. Allele origin: germline.
Comment: This sequence change replaces leucine, which is neutral and non-polar, with arginine, which is basic and polar, at codon 285 of the PCCA protein (p.Leu285Arg). This variant is present in population databases (no rsID available, gnomAD 0.0009%). This variant has not been reported in the literature in individuals affected with PCCA-related conditions. Invitae Evidence Modeling of protein sequence and biophysical properties (such as structural, functional, and spatial information, amino acid conservation, physicochemical variation, residue mobility, and thermodynamic stability) indicates that this missense variant is expected to disrupt PCCA protein function with a positive predictive value of 80%. In summary, the available evidence is currently insufficient to determine the role of this variant in disease. Therefore, it has been classified as a Variant of Uncertain Significance.